The following is an entry in ClinVar:

NM_153717.3(EVC):c.89C>T (p.Pro30Leu)

Gene: EVC (EvC ciliary complex subunit 1; plus strand). Cytogenetic location: 4p16.2.
Variant type: single nucleotide variant.
Coding change: c.89C>T on transcript NM_153717.3 (MANE Select); coding-DNA position 89, C replaced by T.
Protein change: p.Pro30Leu; replaces proline 30 with leucine.
Molecular consequence: missense variant.
Genome position (GRCh38, 1-based): chr4:5,711,469, C>T. VCF-style: chr4-5711469-C-T. GRCh37 (hg19) VCF-style: chr4-5713196-C-T.
Other names: c.89C>T, p.Pro30Leu (NM_001306090.2, NM_001306092.2); short protein forms P30L.
Identifiers: ClinVar variation 290794 (VCV000290794.50), dbSNP rs886044558, ClinGen allele CA10606907.
Genomic context (GRCh38, chr4:5,711,469, plus strand): 5'-GCGACGCGCGGCTGCTGCTGGGGCGGGACGCGCTGCGGCCGGCGCCCGCCCTGCTGGCCC[C>T]CGCCGTGCTGCTGGGCGCCGCGCTCGGCCTCGGCCTCGGCCTTTGGCTTGGCTGCCGCGC-3'
Protein context (NP_714928.1, residues 20-40): ALRPAPALLA[Pro30Leu]AVLLGAALGL

ClinVar aggregate classification (germline): Conflicting classifications of pathogenicity. Review status: criteria provided, conflicting classifications (1 of 4 stars). 10 submissions from 10 submitters: Uncertain significance (4); Benign (1); Likely benign (3). 2 of the submissions do not count toward it. Last evaluated 2026-08-01.

Conditions:
Ellis-van Creveld syndrome (EVC). Also called: Chondroectodermal dysplasia; MESOECTODERMAL DYSPLASIA. Identifiers: Orphanet 289, MedGen C0013903, MONDO:0009162, OMIM 225500.
Curry-Hall syndrome (WAD). Also called: WEYERS ACRODENTAL DYSOSTOSIS. Identifiers: Orphanet 952, MedGen C0457013, MONDO:0008673, OMIM 193530.
EVC-related disorder. Also called: EVC-related disorders; EVC-related condition.

Allele frequency attached by ClinVar (database versions not stated): 1000 Genomes Project 30x 0.00031; TOPMed 0.00102; gnomAD 0.00121.
gnomAD v4.1: 2,241 of 1,066,526 alleles (0.21%); highest among the groups gnomAD compares: Non-Finnish European, 0.24%; 1 homozygote.

Submissions (10):

CeGaT Center for Human Genetics Tuebingen
Classification: Likely benign. Last evaluated: 2026-08-01. Review status: criteria provided, single submitter. Criteria: CeGaT Center For Human Genetics Tuebingen Variant Classification Criteria Version 2. Collection method: clinical testing. Allele origin: germline. Affected: yes. Observed: 3 variant alleles.
Comment: EVC: BS1

Labcorp Genetics (formerly Invitae), Labcorp
Classification: Benign for Curry-Hall syndrome; Ellis-van Creveld syndrome. Last evaluated: 2026-01-17. Review status: criteria provided, single submitter. Criteria: Invitae Variant Classification Sherloc (09022015). Collection method: clinical testing. Allele origin: germline.

Women's Health and Genetics/Laboratory Corporation of America, LabCorp
Classification: Uncertain significance. Last evaluated: 2024-11-19. Review status: criteria provided, single submitter. Criteria: LabCorp Variant Classification Summary - May 2015. Collection method: clinical testing. Allele origin: germline.
Comment: Variant summary: EVC c.89C>T (p.Pro30Leu) results in a non-conservative amino acid change in the encoded protein sequence. Three of five in-silico tools predict a damaging effect of the variant on protein function. The variant allele was found at a frequency of 0.0021 in 1066526 control chromosomes, predominantly at a frequency of 0.0024 within the Non-Finnish European subpopulation in the gnomAD database, including one homozygote. This frequency is not significantly higher than estimated for a pathogenic variant in EVC causing Ellis-van Creveld syndrome, allowing no conclusion about variant significance. c.89C>T has been reported in the literature in one individual affected with amyotrophic lateral sclerosis (van Doormaal_2017). These data do not allow any conclusion about variant significance. To our knowledge, no experimental evidence demonstrating an impact on protein function has been reported. The following publication have been ascertained in the context of this evaluation (PMID: 28714244). ClinVar contains an entry for this variant (Variation ID: 290794). Based on the evidence outlined above, the variant was classified as uncertain significance.

Blueprint Genetics
Classification: Likely benign. Last evaluated: 2024-11-04. Review status: criteria provided, single submitter. Criteria: ACMG Guidelines, 2015. Collection method: clinical testing. Allele origin: germline.

GeneDx
Classification: Likely benign. Last evaluated: 2019-04-09. Review status: criteria provided, single submitter. Criteria: GeneDx Variant Classification Process June 2021. Collection method: clinical testing. Allele origin: germline. Affected: yes.

Illumina Laboratory Services, Illumina
Classification: Uncertain significance for Ellis-van Creveld syndrome. Last evaluated: 2018-01-12. Review status: criteria provided, single submitter. Criteria: ICSL Variant Classification Criteria 13 December 2019. Collection method: clinical testing. Allele origin: germline.

ARUP Laboratories, Molecular Genetics and Genomics, ARUP Laboratories
Classification: Uncertain significance. Last evaluated: 2017-07-14. Review status: criteria provided, single submitter. Criteria: ARUP Molecular Germline Variant Investigation Process. Collection method: clinical testing. Allele origin: germline.
Comment: The p.Pro30Leu has not been reported in the scientific literature and gene specific variant databases. However, the p.Pro30Leu is listed in ClinVar with current classification of uncertain significance (Variation ID 290794). This variant is listed in the Genome Aggregation Consortium Browser with an overall allele frequency of 0.12 percent (identified on 31 out of 25,982 chromosomes) but it was indicated as a low quality site. Additionally, proline 30 is moderately conserved considering 12 species (Alamut software v2.9.0) and computational prediction programs do not agree in their assessment of an impact of this variant on the protein (SIFT: tolerated, PolyPhen-2: benign, and MutationTaster: disease causing).

Eurofins Ntd Llc (ga)
Classification: Uncertain significance. Last evaluated: 2016-08-26. Review status: criteria provided, single submitter. Criteria: EGL Classification Definitions 2015. Collection method: clinical testing. Allele origin: germline. Observed: 1 variant allele, 1 heterozygote.

PreventionGenetics, part of Exact Sciences
Classification: Likely benign for EVC-related condition. Last evaluated: 2024-09-03. Review status: no assertion criteria provided. Collection method: clinical testing. Allele origin: germline. Not counted in ClinVar's aggregate classification.
Comment: This variant is classified as likely benign based on ACMG/AMP sequence variant interpretation guidelines (Richards et al. 2015 PMID: 25741868, with internal and published modifications).

Natera, Inc.
Classification: Uncertain significance for Ellis-van Creveld syndrome. Last evaluated: 2019-11-11. Review status: no assertion criteria provided. Collection method: clinical testing. Allele origin: germline. Not counted in ClinVar's aggregate classification.

Literature cited by the submitters: PubMed 28714244 (cited by Women's Health and Genetics/Laboratory Corporation of America, LabCorp).